The following is an entry in ClinVar:

ClinVar aggregate classification (germline): Uncertain significance (1 of 4 stars; one submission).

Conditions:
Hereditary cancer-predisposing syndrome. Also called: Neoplastic Syndromes, Hereditary; Tumor predisposition; Hereditary Cancer Syndrome; Hereditary neoplastic syndrome. Identifiers: Orphanet 140162, MedGen C0027672, MeSH D009386, MONDO:0015356.

Submission:

Ambry Genetics
Classification: Uncertain significance for Hereditary cancer-predisposing syndrome. Last evaluated: 2026-04-28. Review status: criteria provided, single submitter. Criteria: Ambry Variant Classification Scheme 2023. Collection method: clinical testing. Allele origin: germline.
Comment: The p.L219P variant (also known as c.656T>C), located in coding exon 1 of the MET gene, results from a T to C substitution at nucleotide position 656. The leucine at codon 219 is replaced by proline, an amino acid with similar properties. This amino acid position is well conserved in available vertebrate species. In addition, the in silico prediction for this alteration is inconclusive. Based on the available evidence, the clinical significance of this variant remains unclear.

NM_000245.4(MET):c.656T>C (p.Leu219Pro)

Gene: MET (MET proto-oncogene, receptor tyrosine kinase; plus strand). Cytogenetic location: 7q31.2.
Variant type: single nucleotide variant.
Coding change: c.656T>C on transcript NM_000245.4 (MANE Select); coding-DNA position 656, T replaced by C.
Protein change: p.Leu219Pro; replaces leucine 219 with proline.
Molecular consequence: missense variant. On other transcripts: intron variant (1).
Genome position (GRCh38, 1-based): chr7:116,699,740, T>C. VCF-style: chr7-116699740-T-C. GRCh37 (hg19) VCF-style: chr7-116339794-T-C.
Other names: c.656T>C, p.Leu219Pro (NM_001127500.3, NM_001324401.3); c.-91+27163T>C (NM_001324402.2); short protein forms L219P.
Identifiers: ClinVar variation 4859976 (VCV004859976.1).